The following is an entry in ClinVar:

ClinVar aggregate classification (germline): Uncertain significance (1 of 4 stars; one submission).

Submission:

Labcorp Genetics (formerly Invitae), Labcorp
Classification: Uncertain significance. Last evaluated: 2023-03-17. Review status: criteria provided, single submitter. Criteria: Invitae Variant Classification Sherloc (09022015). Collection method: clinical testing. Allele origin: germline.
Comment: Advanced modeling of protein sequence and biophysical properties (such as structural, functional, and spatial information, amino acid conservation, physicochemical variation, residue mobility, and thermodynamic stability) performed at Invitae indicates that this missense variant is not expected to disrupt MYH9 protein function. In summary, the available evidence is currently insufficient to determine the role of this variant in disease. Therefore, it has been classified as a Variant of Uncertain Significance. This variant has not been reported in the literature in individuals affected with MYH9-related conditions. This sequence change replaces glycine, which is neutral and non-polar, with cysteine, which is neutral and slightly polar, at codon 551 of the MYH9 protein (p.Gly551Cys). This variant is not present in population databases (gnomAD no frequency).

NM_002473.6(MYH9):c.1651G>T (p.Gly551Cys)

Gene: MYH9 (myosin heavy chain 9; minus strand). Cytogenetic location: 22q12.3.
Variant type: single nucleotide variant.
Coding change: c.1651G>T on transcript NM_002473.6 (MANE Select); coding-DNA position 1651, G replaced by T.
Protein change: p.Gly551Cys; replaces glycine 551 with cysteine.
Molecular consequence: missense variant.
Genome position (GRCh38, 1-based): chr22:36,312,126, C>A on the plus strand (G>T on the coding strand, the complement: MYH9 is on the minus strand). VCF-style: chr22-36312126-C-A. GRCh37 (hg19) VCF-style: chr22-36708171-C-A.
Other names: short protein forms G551C.
Identifiers: ClinVar variation 2846772 (VCV002846772.3), dbSNP rs1258173006, ClinGen allele CA411400136.
Genomic context (GRCh38, chr22:36,312,126, plus strand): 5'-TAATGCAGAAATCAGCTTTGTCCTTCAGCTGCTTGGGCTTCTGGAACTTGGGGTGGGTGC[C>A]CTGCTCCTGCATCACCTTCTCCACGAAGCTCTTGTCGGTGGCTTTGGGGAACCAGCACTC-3'
Protein context (NP_002464.1, residues 541-561): SFVEKVMQEQ[Gly551Cys]THPKFQKPKQ